The following is an entry in ClinVar:

NM_001267550.2(TTN):c.11657del (p.Asp3886fs)

Gene: TTN (titin; minus strand). Cytogenetic location: 2q31.2.
Variant type: Deletion.
Coding change: c.11657del on transcript NM_001267550.2 (MANE Select); coding-DNA position 11657, one base deleted (A; older notation c.11657delA).
Protein change: p.Asp3886fs; shifts the reading frame from aspartic acid 3886.
Molecular consequence: frameshift variant. On other transcripts: intron variant (1).
Genome position (GRCh38, 1-based): chr2:178,741,576, T deleted on the plus strand (A on the coding strand, the reverse complement: TTN is on the minus strand). VCF-style (leftmost placement, unchanged base first): chr2-178741575-AT-A. GRCh37 (hg19) VCF-style: chr2-179606302-AT-A.
Other names: c.11657del (LRG_391t1); c.10943delA (NM_133432.3); c.10706del, p.Asp3569fs (NM_001256850.1); c.10568del, p.Asp3523fs (NM_003319.4); c.10943del, p.Asp3648fs (NM_133432.3); c.11144del, p.Asp3715fs (NM_133437.4); c.10361-3216del (NM_133378.4); short protein forms D3648fs, D3715fs, D3886fs, D3523fs, D3569fs.
Identifiers: ClinVar variation 47810 (VCV000047810.7), dbSNP rs397517826, ClinGen allele CA141952.

ClinVar aggregate classification (germline): Conflicting classifications of pathogenicity. Review status: criteria provided, conflicting classifications (1 of 4 stars). 2 submissions from 2 submitters: Likely pathogenic (1); Uncertain significance (1). Last evaluated 2021-10-01.

Conditions:
Cardiomyopathy (CMYO). Also called: Cardiomyopathies. Identifiers: Orphanet 167848, MedGen C0878544, MONDO:0004994, HP:0001638. Inheritance: Various modes of inheritance.

Allele frequency attached by ClinVar (database versions not stated): gnomAD exomes below 0.00001.

Submissions (2):

CHEO Genetics Diagnostic Laboratory, Children's Hospital of Eastern Ontario
Classification: Likely pathogenic for Cardiomyopathy. Last evaluated: 2021-10-01. Review status: criteria provided, single submitter. Criteria: ACMG Guidelines, 2015. Collection method: clinical testing. Allele origin: germline.

Laboratory for Molecular Medicine, Mass General Brigham Personalized Medicine
Classification: Uncertain significance. Last evaluated: 2012-05-10. Review status: criteria provided, single submitter. Criteria: LMM Criteria. Collection method: clinical testing. Allele origin: germline. Observed: 1 variant allele.
Comment: Variant classified as Uncertain Significance - Favor Pathogenic. The Asp3648fs v ariant in TTN has not been reported in the literature nor previously identified by our laboratory. This frameshift variant is predicted to alter the protein?s a mino acid sequence beginning at position 3648 and lead to a premature terminatio n codon 22 amino acids downstream. Heterozygous loss of function of the TTN gene is strongly associated with DCM (Herman 2012). The available evidence suggests that the Asp3648fs variant may be pathogenic but additional studies are needed t o fully assess its clinical significance.